The following is an entry in ClinVar:

NM_001127392.3(MYRF):c.1116-4C>T

Gene: MYRF (myelin regulatory factor; plus strand). Cytogenetic location: 11q12.2.
Variant type: single nucleotide variant.
Coding change: c.1116-4C>T on transcript NM_001127392.3 (MANE Select); 4 bases into the intron before coding-DNA position 1116, C replaced by T.
Molecular consequence: intron variant.
Genome position (GRCh38, 1-based): chr11:61,773,963, C>T. VCF-style: chr11-61773963-C-T. GRCh37 (hg19) VCF-style: chr11-61541435-C-T.
Other names: c.1089-4C>T (NM_013279.4).
Identifiers: ClinVar variation 3050622 (VCV003050622.2), dbSNP rs754152606, ClinGen allele CA6037798.
Genomic context (GRCh38, chr11:61,773,963, plus strand): 5'-GAGGAACCGATGTTCCAGGCCCGGCTCTGGGGCCTCAGGGGAGTGCCCTCACCCGCCCCC[C>T]CAGGCCCATGCTCACCTACCGCGTGGATGCGGACAAGGGCTTCAACTTTTCGGTGGGCGA-3'

ClinVar aggregate classification (germline): Likely benign (0 of 4 stars; one submission).

Conditions:
MYRF-related disorder. Also called: MYRF-related disorders; MYRF-related condition.

Allele frequency attached by ClinVar (database versions not stated): ExAC 0.00008.
gnomAD v4.1: 19 of 1,607,088 alleles (0.0012%); highest among the groups gnomAD compares: Admixed American, 0.027%; no homozygotes.

Submission:

PreventionGenetics, part of Exact Sciences
Classification: Likely benign for MYRF-related condition. Last evaluated: 2019-07-16. Review status: no assertion criteria provided. Collection method: clinical testing. Allele origin: germline.
Comment: This variant is classified as likely benign based on ACMG/AMP sequence variant interpretation guidelines (Richards et al. 2015 PMID: 25741868, with internal and published modifications).